The following is an entry in ClinVar:

NM_018076.5(ODAD2):c.2495+1G>A

Gene: ODAD2 (outer dynein arm docking complex subunit 2; minus strand). Cytogenetic location: 10p12.1.
Variant type: single nucleotide variant.
Coding change: c.2495+1G>A on transcript NM_018076.5 (MANE Select); the canonical splice donor site of the intron after coding-DNA position 2495, G replaced by A.
Molecular consequence: splice donor variant.
Genome position (GRCh38, 1-based): chr10:27,935,009, C>T on the plus strand (G>A on the coding strand, the complement: ODAD2 is on the minus strand). VCF-style: chr10-27935009-C-T. GRCh37 (hg19) VCF-style: chr10-28223938-C-T.
Other names: c.2495+1G>A (NM_001290020.2); c.1571+1G>A (NM_001312689.2); c.1070+1G>A (NM_001290021.2).
Identifiers: ClinVar variation 242857 (VCV000242857.10), dbSNP rs879253744, ClinGen allele CA10584010.

ClinVar aggregate classification (germline): Pathogenic. Review status: criteria provided, multiple submitters, no conflicts (2 of 4 stars). 3 submissions from 3 submitters: Pathogenic (3). Last evaluated 2025-09-28.

Conditions:
Primary ciliary dyskinesia 23 (CILD23). Also called: CILIARY DYSKINESIA, PRIMARY, 23, WITH OR WITHOUT SITUS INVERSUS. Identifiers: Orphanet 244, MedGen C3809548, MONDO:0014193, OMIM 615451.
Primary ciliary dyskinesia. Also called: Ciliary dyskinesia. Identifiers: Orphanet 244, MedGen C0008780, MONDO:0016575, HP:0012265.

Allele frequency attached by ClinVar (database versions not stated): gnomAD exomes below 0.00001; TOPMed 0.00001.
gnomAD v4.1: 6 of 1,613,898 alleles (0.00037%); highest among the groups gnomAD compares: African/African-American, 0.0013%; no homozygotes.

Submissions (3):

Labcorp Genetics (formerly Invitae), Labcorp
Classification: Pathogenic for Primary ciliary dyskinesia 23. Last evaluated: 2025-09-28. Review status: criteria provided, single submitter. Criteria: Invitae Variant Classification Sherloc (09022015). Collection method: clinical testing. Allele origin: germline.
Comment: This sequence change affects a donor splice site in intron 16 of the ARMC4 gene. It is expected to disrupt RNA splicing. Variants that disrupt the donor or acceptor splice site typically lead to a loss of protein function (PMID: 16199547), and loss-of-function variants in ARMC4 are known to be pathogenic (PMID: 23849778). This variant is present in population databases (no rsID available, gnomAD 0.0009%). Disruption of this splice site has been observed in individual(s) with clinical feature of ARMC4-related conditions (PMID: 23849778). It has also been observed to segregate with disease in related individuals. ClinVar contains an entry for this variant (Variation ID: 242857). Algorithms developed to predict the effect of sequence changes on RNA splicing suggest that this variant may disrupt the consensus splice site. For these reasons, this variant has been classified as Pathogenic.

Laboratory for Molecular Medicine, Mass General Brigham Personalized Medicine
Classification: Pathogenic for Primary ciliary dyskinesia. Last evaluated: 2016-10-28. Review status: criteria provided, single submitter. Criteria: LMM Criteria. Collection method: clinical testing. Allele origin: germline. Inheritance: Autosomal recessive inheritance. Observed: 1 variant allele.
Comment: The c.2495+1G>A variant in ARMC4 has been reported in the homozygous state in 2 siblings with neonatal respiratory distress syndrome, chronic bronchitis/recurre nt sinusitis and tympanic effusion (Hjeij 2013). The c.2495+1G>A variant was abs ent from large population studies. It occurs in the invariant region (+/- 1,2) o f the splice consensus sequence and is predicted to cause altered splicing leadi ng to an abnormal or absent protein. Biallelic loss of function of ARMC4 has bee n associated with primary ciliary dyskinesia. In summary, this variant meets cri teria to be classified as pathogenic for primary ciliary dyskinesia in an autoso mal recessive manner based on its predicted protein impact and biallelic occurre nce in affected individuals.

Lupski Lab, Baylor-Hopkins CMG, Baylor College of Medicine
Classification: Pathogenic for Primary ciliary dyskinesia 23. Last evaluated: 2013-04-03. Review status: criteria provided, single submitter. Criteria: Hjeij et al. (Am J Hum Genet. 2013). Collection method: research. Allele origin: germline. Inheritance: Autosomal recessive inheritance. Affected: yes. Observed: 2 variant alleles, 2 homozygotes.
Comment: This homozygous mutation was predicted to be loss-of-function.

Literature cited by the submitters: PubMed 16199547 (cited by Labcorp Genetics (formerly Invitae), Labcorp); PubMed 23849778 (cited by Labcorp Genetics (formerly Invitae), Labcorp and Laboratory for Molecular Medicine, Mass General Brigham Personalized Medicine).